The following is an entry in ClinVar:

ClinVar aggregate classification (germline): Uncertain significance. Review status: criteria provided, single submitter (1 of 4 stars). 2 submissions from 2 submitters: Uncertain significance (1). 1 of the submissions does not count toward it. Last evaluated 2025-10-03.

Conditions:
TRAP1-related disorder. Also called: TRAP1-related condition.

Allele frequency attached by ClinVar (database versions not stated): TOPMed 0.00003; gnomAD 0.00005; ExAC 0.00008; ESP Exome Variant Server 0.00008.
gnomAD v4.1: 77 of 1,614,026 alleles (0.0048%); highest among the groups gnomAD compares: South Asian, 0.041%; no homozygotes.

Submissions (2):

Labcorp Genetics (formerly Invitae), Labcorp
Classification: Uncertain significance. Last evaluated: 2025-10-03. Review status: criteria provided, single submitter. Criteria: Invitae Variant Classification Sherloc (09022015). Collection method: clinical testing. Allele origin: germline.
Comment: This sequence change falls in intron 4 of the TRAP1 gene. It does not directly change the encoded amino acid sequence of the TRAP1 protein. It affects a nucleotide within the consensus splice site. This variant is present in population databases (rs376506055, gnomAD 0.04%). This variant has not been reported in the literature in individuals affected with TRAP1-related conditions. ClinVar contains an entry for this variant (Variation ID: 2064172). Variants that disrupt the consensus splice site are a relatively common cause of aberrant splicing (PMID: 17576681, 9536098). Algorithms developed to predict the effect of sequence changes on RNA splicing suggest that this variant is not likely to affect RNA splicing. In summary, the available evidence is currently insufficient to determine the role of this variant in disease. Therefore, it has been classified as a Variant of Uncertain Significance.

PreventionGenetics, part of Exact Sciences
Classification: Likely benign for TRAP1-related condition. Last evaluated: 2019-02-21. Review status: no assertion criteria provided. Collection method: clinical testing. Allele origin: germline. Not counted in ClinVar's aggregate classification.
Comment: This variant is classified as likely benign based on ACMG/AMP sequence variant interpretation guidelines (Richards et al. 2015 PMID: 25741868, with internal and published modifications).

Literature cited by the submitters: PubMed 17576681 (cited by Labcorp Genetics (formerly Invitae), Labcorp); PubMed 9536098 (cited by Labcorp Genetics (formerly Invitae), Labcorp).

NM_016292.3(TRAP1):c.472-3C>T

Gene: TRAP1 (TNF receptor associated protein 1; minus strand). Cytogenetic location: 16p13.3.
Variant type: single nucleotide variant.
Coding change: c.472-3C>T on transcript NM_016292.3 (MANE Select); 3 bases into the intron before coding-DNA position 472, C replaced by T.
Molecular consequence: intron variant.
Genome position (GRCh38, 1-based): chr16:3,679,793, G>A on the plus strand (C>T on the coding strand, the complement: TRAP1 is on the minus strand). VCF-style: chr16-3679793-G-A. GRCh37 (hg19) VCF-style: chr16-3729794-G-A.
Other names: c.313-3C>T (NM_001272049.2); c.472-3C>T (NM_016292.2).
Identifiers: ClinVar variation 2064172 (VCV002064172.6), dbSNP rs376506055, ClinGen allele CA7868651.